The following is an entry in ClinVar:

NM_198576.4(AGRN):c.5253+68C>T

Gene: AGRN (agrin; plus strand). Cytogenetic location: 1p36.33.
Variant type: single nucleotide variant.
Coding change: c.5253+68C>T on transcript NM_198576.4 (MANE Select); 68 bases into the intron after coding-DNA position 5253, C replaced by T.
Molecular consequence: intron variant.
Genome position (GRCh38, 1-based): chr1:1,050,905, C>T. VCF-style: chr1-1050905-C-T. GRCh37 (hg19) VCF-style: chr1-986285-C-T.
Other names: c.5253+68C>T (NM_001305275.2); c.4938+68C>T (NM_001364727.2).
Identifiers: ClinVar variation 678954 (VCV000678954.2), dbSNP rs112497350, ClinGen allele CA16701996.

ClinVar aggregate classification (germline): Benign. Review status: criteria provided, multiple submitters, no conflicts (2 of 4 stars). 2 submissions from 2 submitters: Benign (2). Last evaluated 2018-06-19.

Allele frequency attached by ClinVar (database versions not stated): gnomAD exomes 0.00542; 1000 Genomes Project 0.04872; gnomAD 0.05008 and 0.05398; 1000 Genomes Project 30x 0.05294; TOPMed 0.05751.
gnomAD v4.1: 15,506 of 1,526,970 alleles (1%); highest among the groups gnomAD compares: African/African-American, 17%; 1,082 homozygotes.

Submissions (2):

GeneDx
Classification: Benign. Last evaluated: 2018-06-19. Review status: criteria provided, single submitter. Criteria: GeneDx Variant Classification (06012015). Collection method: clinical testing. Allele origin: germline. Affected: yes.
Comment: This variant is considered likely benign or benign based on one or more of the following criteria: it is a conservative change, it occurs at a poorly conserved position in the protein, it is predicted to be benign by multiple in silico algorithms, and/or has population frequency not consistent with disease.

Breakthrough Genomics
Classification: Benign. Review status: criteria provided, single submitter. Criteria: ACMG Guidelines, 2015. Collection method: not provided. Allele origin: germline. Inheritance: Autosomal recessive inheritance. Affected: yes.